The following is an entry in ClinVar:

NM_003482.4(KMT2D):c.11470_11471delinsAT (p.His3824Ile)

Gene: KMT2D (lysine methyltransferase 2D; minus strand). Cytogenetic location: 12q13.12.
Variant type: Indel.
Coding change: c.11470_11471delinsAT on transcript NM_003482.4 (MANE Select); coding-DNA positions 11470 to 11471, CA replaced by AT.
Protein change: p.His3824Ile; replaces histidine 3824 with isoleucine.
Molecular consequence: missense variant.
Genome position (GRCh38, 1-based): chr12:49,033,234-49,033,235, TG replaced by AT on the plus strand (CA replaced by AT on the coding strand, the reverse complement: KMT2D is on the minus strand). VCF-style: chr12-49033234-TG-AT. GRCh37 (hg19) VCF-style: chr12-49427017-TG-AT.
Other names: c.11470_11471delCAinsAT (NM_003482.3); short protein forms H3824I.
Identifiers: ClinVar variation 503834 (VCV000503834.1), dbSNP rs1555188671, ClinGen allele CA658797910.
Genomic context (GRCh38, chr12:49,033,234, plus strand): 5'-CCCTGCTGTGCCAGCTGGGGGGAACTGAGCACCCGGGACTGGGTCATAAGCACCTGTCTG[TG>AT]AGGGCCCTGGGGGCCCAAAGCTCCAGGGTGCTGCTGCTGCAACACAGCCACCTGGGCAGG-3'
Protein context (NP_003473.3, residues 3814-3834): HPGALGPQGP[His3824Ile]RQVLMTQSRV

ClinVar aggregate classification (germline): Uncertain significance (1 of 4 stars; one submission).

Submission:

GeneDx
Classification: Uncertain significance. Last evaluated: 2017-11-13. Review status: criteria provided, single submitter. Criteria: GeneDx Variant Classification (06012015). Collection method: clinical testing. Allele origin: germline. Affected: yes.
Comment: The c.11470_11471delCAinsAT variant has not been published as a pathogenic variant, nor has it been reported as a benign variant to our knowledge. The c.11470_11471delCAinsAT variant is not observed in large population cohorts (Lek et al., 2016). The c.11470_11471delCAinsAT variant is caused by two nucleotide substitutions (c.11470 C>A and c.11471 A>T) on the same allele (in cis), resulting in an in-frame deletion of a single Histidine residue and the insertion of a single Isoleucine residue at amino acid position 3824, denoted H3824I. The H3824I variant is a non-conservative amino acid substitution, which is likely to impact secondary protein structure as these residues differ in polarity, charge, size and/or other properties. In-silico analyses, including protein predictors and evolutionary conservation, support a deleterious effect. Based on the currently available information, it is unclear whether this variant is a pathogenic variant or a rare benign variant.